The following is an entry in ClinVar:

ClinVar aggregate classification (germline): Uncertain significance. Review status: criteria provided, multiple submitters, no conflicts (2 of 4 stars). 2 submissions from 2 submitters: Uncertain significance (2). Last evaluated 2026-01-12.

Conditions:
Hereditary cancer-predisposing syndrome. Also called: Neoplastic Syndromes, Hereditary; Tumor predisposition; Hereditary Cancer Syndrome; Hereditary neoplastic syndrome. Identifiers: Orphanet 140162, MedGen C0027672, MeSH D009386, MONDO:0015356.

Allele frequency attached by ClinVar (database versions not stated): gnomAD exomes below 0.00001 and 0.00001; gnomAD 0.00001; TOPMed 0.00002.
gnomAD v4.1: 5 of 1,596,636 alleles (0.00031%); highest among the groups gnomAD compares: East Asian, 0.0022%; no homozygotes.

Submissions (2):

Labcorp Genetics (formerly Invitae), Labcorp
Classification: Uncertain significance. Last evaluated: 2026-01-12. Review status: criteria provided, single submitter. Criteria: Invitae Variant Classification Sherloc (09022015). Collection method: clinical testing. Allele origin: germline.
Comment: This sequence change replaces isoleucine, which is neutral and non-polar, with valine, which is neutral and non-polar, at codon 9 of the CTNNA1 protein (p.Ile9Val). This variant is present in population databases (no rsID available, gnomAD 0.0009%). This variant has not been reported in the literature in individuals affected with CTNNA1-related conditions. ClinVar contains an entry for this variant (Variation ID: 647986). Invitae Evidence Modeling of protein sequence and biophysical properties (such as structural, functional, and spatial information, amino acid conservation, physicochemical variation, residue mobility, and thermodynamic stability) indicates that this missense variant is not expected to disrupt CTNNA1 protein function with a negative predictive value of 80%. In summary, the available evidence is currently insufficient to determine the role of this variant in disease. Therefore, it has been classified as a Variant of Uncertain Significance.

Ambry Genetics
Classification: Uncertain significance for Hereditary cancer-predisposing syndrome. Last evaluated: 2025-11-18. Review status: criteria provided, single submitter. Criteria: Ambry Variant Classification Scheme 2023. Collection method: clinical testing. Allele origin: germline.
Comment: The p.I9V variant (also known as c.25A>G), located in coding exon 1 of the CTNNA1 gene, results from an A to G substitution at nucleotide position 25. The isoleucine at codon 9 is replaced by valine, an amino acid with highly similar properties. This amino acid position is well conserved in available vertebrate species. In addition, this alteration is predicted to be tolerated by in silico analysis. Based on the available evidence, the clinical significance of this variant remains unclear.

NM_001903.5(CTNNA1):c.25A>G (p.Ile9Val)

Gene: CTNNA1 (catenin alpha 1; plus strand). Cytogenetic location: 5q31.2.
Variant type: single nucleotide variant.
Coding change: c.25A>G on transcript NM_001903.5 (MANE Select); coding-DNA position 25, A replaced by G.
Protein change: p.Ile9Val; replaces isoleucine 9 with valine.
Molecular consequence: missense variant. On other transcripts: 5 prime UTR variant (2).
Genome position (GRCh38, 1-based): chr5:138,781,949, A>G. VCF-style: chr5-138781949-A-G. GRCh37 (hg19) VCF-style: chr5-138117638-A-G.
Other names: c.25A>G, p.Ile9Val (NM_001290307.3, NM_001323982.2, NM_001323983.1 and 3 more transcripts); c.-89A>G (NM_001290309.3); c.-182A>G (NM_001290310.3); short protein forms I9V.
Identifiers: ClinVar variation 647986 (VCV000647986.12), dbSNP rs1035752743, ClinGen allele CA128716439.